The following is an entry in ClinVar:

ClinVar aggregate classification (germline): Uncertain significance. Review status: criteria provided, multiple submitters, no conflicts (2 of 4 stars). 2 submissions from 2 submitters: Uncertain significance (2). Last evaluated 2025-09-17.

Conditions:
Hereditary cancer-predisposing syndrome. Also called: Hereditary neoplastic syndrome; Tumor predisposition; Neoplastic Syndromes, Hereditary; Hereditary Cancer Syndrome. Identifiers: Orphanet 140162, MedGen C0027672, MeSH D009386, MONDO:0015356.
Haddad syndrome (OHD). Also called: Ondine-Hirschsprung disease. Identifiers: Orphanet 99803, MedGen C1859049, MONDO:0020493.

Allele frequency attached by ClinVar (database versions not stated): ExAC 0.00001; TOPMed 0.00002; gnomAD 0.00001; gnomAD exomes 0.00001.
gnomAD v4.1: 6 of 1,537,464 alleles (0.00039%); highest among the groups gnomAD compares: African/African-American, 0.0014%; no homozygotes.

Submissions (2):

Ambry Genetics
Classification: Uncertain significance for Hereditary cancer-predisposing syndrome. Last evaluated: 2025-09-17. Review status: criteria provided, single submitter. Criteria: Ambry Variant Classification Scheme 2023. Collection method: clinical testing. Allele origin: germline.
Comment: The p.A221T variant (also known as c.661G>A), located in coding exon 3 of the PHOX2B gene, results from a G to A substitution at nucleotide position 661. The alanine at codon 221 is replaced by threonine, an amino acid with similar properties. This amino acid position is not well conserved in available vertebrate species. In addition, this alteration is predicted to be tolerated by in silico analysis. Since supporting evidence is limited at this time, the clinical significance of this alteration remains unclear.

Labcorp Genetics (formerly Invitae), Labcorp
Classification: Uncertain significance for Haddad syndrome. Last evaluated: 2024-04-29. Review status: criteria provided, single submitter. Criteria: Invitae Variant Classification Sherloc (09022015). Collection method: clinical testing. Allele origin: germline.
Comment: This sequence change replaces alanine, which is neutral and non-polar, with threonine, which is neutral and polar, at codon 221 of the PHOX2B protein (p.Ala221Thr). The frequency data for this variant in the population databases is considered unreliable, as metrics indicate poor data quality at this position in the gnomAD database. This variant has not been reported in the literature in individuals affected with PHOX2B-related conditions. ClinVar contains an entry for this variant (Variation ID: 656673). Advanced modeling of protein sequence and biophysical properties (such as structural, functional, and spatial information, amino acid conservation, physicochemical variation, residue mobility, and thermodynamic stability) performed at Invitae indicates that this missense variant is not expected to disrupt PHOX2B protein function with a negative predictive value of 80%. In summary, the available evidence is currently insufficient to determine the role of this variant in disease. Therefore, it has been classified as a Variant of Uncertain Significance.

NM_003924.4(PHOX2B):c.661G>A (p.Ala221Thr)

Gene: PHOX2B (paired like homeobox 2B; minus strand). Cytogenetic location: 4p13.
Variant type: single nucleotide variant.
Coding change: c.661G>A on transcript NM_003924.4 (MANE Select); coding-DNA position 661, G replaced by A.
Protein change: p.Ala221Thr; replaces alanine 221 with threonine.
Molecular consequence: missense variant.
Genome position (GRCh38, 1-based): chr4:41,746,091, C>T on the plus strand (G>A on the coding strand, the complement: PHOX2B is on the minus strand). VCF-style: chr4-41746091-C-T. GRCh37 (hg19) VCF-style: chr4-41748108-C-T.
Other names: short protein forms A221T.
Identifiers: ClinVar variation 656673 (VCV000656673.14), dbSNP rs746684161, ClinGen allele CA2901461.